The following is an entry in ClinVar:

NM_000548.5(TSC2):c.3683del (p.Leu1228fs)

Gene: TSC2 (TSC complex subunit 2; plus strand). Cytogenetic location: 16p13.3.
Variant type: Deletion.
Coding change: c.3683del on transcript NM_000548.5 (MANE Select); coding-DNA position 3683, one base deleted (T; older notation c.3683delT).
Protein change: p.Leu1228fs; shifts the reading frame from leucine 1228.
Molecular consequence: frameshift variant.
Genome position (GRCh38, 1-based): chr16:2,081,667, T deleted. VCF-style (leftmost placement, unchanged base first): chr16-2081666-CT-C. GRCh37 (hg19) VCF-style: chr16-2131667-CT-C.
Other names: c.3551del, p.Leu1184fs (NM_001077183.3, NM_001370404.1); c.3683del, p.Leu1228fs (NM_001114382.3); c.3443del, p.Leu1148fs (NM_001318827.2); c.3407del, p.Leu1136fs (NM_001318829.2); c.2951del, p.Leu984fs (NM_001318831.2); c.3584del, p.Leu1195fs (NM_001318832.2); c.3554del, p.Leu1185fs (NM_001363528.2, NM_001370405.1, NM_021055.3); short protein forms L1148fs, L1184fs, L1195fs, L984fs, L1136fs, L1185fs, L1228fs.
Identifiers: ClinVar variation 655926 (VCV000655926.6), dbSNP rs1596400038, ClinGen allele CA915946298.

ClinVar aggregate classification (germline): Pathogenic (1 of 4 stars; one submission).

Conditions:
Tuberous sclerosis 2 (TSC2). Identifiers: Orphanet 805, MedGen C1860707, MONDO:0013199, OMIM 613254.

Submission:

Labcorp Genetics (formerly Invitae), Labcorp
Classification: Pathogenic for Tuberous sclerosis 2. Last evaluated: 2020-06-05. Review status: criteria provided, single submitter. Criteria: Invitae Variant Classification Sherloc (09022015). Collection method: clinical testing. Allele origin: germline.
Comment: This variant is not present in population databases (ExAC no frequency). This sequence change creates a premature translational stop signal (p.Leu1228Argfs*97) in the TSC2 gene. It is expected to result in an absent or disrupted protein product. Loss-of-function variants in TSC2 are known to be pathogenic (PMID: 10205261, 17304050). This variant has not been reported in the literature in individuals with TSC2-related conditions. ClinVar contains an entry for this variant (Variation ID: 655926). For these reasons, this variant has been classified as Pathogenic.

Literature cited by the submitters: PubMed 10205261; PubMed 17304050.